The following is an entry in ClinVar:

ClinVar aggregate classification (germline): Uncertain significance (1 of 4 stars; one submission).

Conditions:
Hereditary cancer-predisposing syndrome. Also called: Tumor predisposition; Hereditary Cancer Syndrome; Hereditary neoplastic syndrome; Neoplastic Syndromes, Hereditary. Identifiers: Orphanet 140162, MedGen C0027672, MeSH D009386, MONDO:0015356.

gnomAD v4.1: 1 of 1,614,034 alleles (0.000062%); highest among the groups gnomAD compares: Non-Finnish European, 0.000085%; no homozygotes.

Submission:

Ambry Genetics
Classification: Uncertain significance for Hereditary cancer-predisposing syndrome. Last evaluated: 2023-09-07. Review status: criteria provided, single submitter. Criteria: Ambry Variant Classification Scheme 2023. Collection method: clinical testing. Allele origin: germline.
Comment: The p.A1014P variant (also known as c.3040G>C), located in coding exon 19 of the ATM gene, results from a G to C substitution at nucleotide position 3040. The alanine at codon 1014 is replaced by proline, an amino acid with highly similar properties. This amino acid position is conserved. In addition, the in silico prediction for this alteration is inconclusive. Since supporting evidence is limited at this time, the clinical significance of this alteration remains unclear.

NM_000051.4(ATM):c.3040G>C (p.Ala1014Pro)

Gene: ATM (ATM serine/threonine kinase; plus strand). Cytogenetic location: 11q22.3.
Variant type: single nucleotide variant.
Coding change: c.3040G>C on transcript NM_000051.4 (MANE Select); coding-DNA position 3040, G replaced by C.
Protein change: p.Ala1014Pro; replaces alanine 1014 with proline.
Molecular consequence: missense variant.
Genome position (GRCh38, 1-based): chr11:108,271,369, G>C. VCF-style: chr11-108271369-G-C. GRCh37 (hg19) VCF-style: chr11-108142096-G-C.
Other names: c.3040G>C, p.Ala1014Pro (NM_001351834.2); short protein forms A1014P.
Identifiers: ClinVar variation 2587802 (VCV002587802.2), dbSNP rs587782163, ClinGen allele CA382547569.
Genomic context (GRCh38, chr11:108,271,369, plus strand): 5'-GTCCTTCATGTAGTGAAAAACCTAGGTCAAAGCAATATGGACTCTGAGAACACAAGGGAT[G>C]CTCAAGGACAGTTTCTTACAGTAATTGGAGCATTTTGGTAGGTACAGTCTATTTTGTGGT-3'
Protein context (NP_000042.3, residues 1004-1024): SNMDSENTRD[Ala1014Pro]QGQFLTVIGA